The following is an entry in ClinVar:

NM_001098511.3(KIF2A):c.2020A>T (p.Ile674Phe)

Gene: KIF2A (kinesin family member 2A; plus strand). Cytogenetic location: 5q12.1.
Variant type: single nucleotide variant.
Coding change: c.2020A>T on transcript NM_001098511.3 (MANE Select); coding-DNA position 2020, A replaced by T.
Protein change: p.Ile674Phe; replaces isoleucine 674 with phenylalanine.
Molecular consequence: missense variant.
Genome position (GRCh38, 1-based): chr5:62,381,124, A>T. VCF-style: chr5-62381124-A-T. GRCh37 (hg19) VCF-style: chr5-61676951-A-T.
Other names: c.1825A>T, p.Ile609Phe (NM_001243952.2); c.1849A>T, p.Ile617Phe (NM_001243953.2); c.1906A>T, p.Ile636Phe (NM_004520.5); short protein forms I609F, I674F, I636F, I617F.
Identifiers: ClinVar variation 3649689 (VCV003649689.2).

ClinVar aggregate classification (germline): Uncertain significance (1 of 4 stars; one submission).

Submission:

Labcorp Genetics (formerly Invitae), Labcorp
Classification: Uncertain significance. Last evaluated: 2024-09-08. Review status: criteria provided, single submitter. Criteria: Invitae Variant Classification Sherloc (09022015). Collection method: clinical testing. Allele origin: germline.
Comment: This sequence change replaces isoleucine, which is neutral and non-polar, with phenylalanine, which is neutral and non-polar, at codon 674 of the KIF2A protein (p.Ile674Phe). This variant is not present in population databases (gnomAD no frequency). This variant has not been reported in the literature in individuals affected with KIF2A-related conditions. An algorithm developed to predict the effect of missense changes on protein structure and function (PolyPhen-2) suggests that this variant is likely to be disruptive. In summary, the available evidence is currently insufficient to determine the role of this variant in disease. Therefore, it has been classified as a Variant of Uncertain Significance.